The following is an entry in ClinVar:

NM_000518.5(HBB):c.*5G>A

Genes: HBB (hemoglobin subunit beta; minus strand), LOC107133510 (origin of replication at HBB; plus strand), LOC110006319 (beta-globin gene 3' regulatory region; plus strand). Cytogenetic location: 11p15.4.
Variant type: single nucleotide variant.
Coding change: c.*5G>A on transcript NM_000518.5 (MANE Select); 5 bases downstream of the stop codon, G replaced by A.
Molecular consequence: 3 prime UTR variant.
Genome position (GRCh38, 1-based): chr11:5,225,593, C>T on the plus strand (G>A on the coding strand, the complement: HBB is on the minus strand). VCF-style: chr11-5225593-C-T. GRCh37 (hg19) VCF-style: chr11-5246823-C-T.
Identifiers: ClinVar variation 2681972 (VCV002681972.2), dbSNP rs779043171, ClinGen allele CA5839684.

ClinVar aggregate classification (germline): Uncertain significance. Review status: criteria provided, multiple submitters, no conflicts (2 of 4 stars). 2 submissions from 2 submitters: Uncertain significance (2). Last evaluated 2025-06-26.

Allele frequency attached by ClinVar (database versions not stated): ExAC 0.00001; gnomAD 0.00001; TOPMed 0.00001.
gnomAD v4.1: 14 of 1,613,874 alleles (0.00087%); highest among the groups gnomAD compares: South Asian, 0.0077%; no homozygotes.

Submissions (2):

Women's Health and Genetics/Laboratory Corporation of America, LabCorp
Classification: Uncertain significance. Last evaluated: 2025-06-26. Review status: criteria provided, single submitter. Criteria: LabCorp Variant Classification Summary - May 2015. Collection method: clinical testing. Allele origin: germline.
Comment: Variant summary: HBB c.*5G>A is located in the untranslated mRNA region downstream of the termination codon. The variant allele was found at a frequency of 1.2e-05 in 251368 control chromosomes. The available data on variant occurrences in the general population are insufficient to allow any conclusion about variant significance. To our knowledge, no occurrence of c.*5G>A in individuals affected with Hemoglobinopathy and no experimental evidence demonstrating its impact on protein function have been reported. ClinVar contains an entry for this variant (Variation ID: 2681972). Based on the evidence outlined above, the variant was classified as uncertain significance.

Quest Diagnostics Nichols Institute San Juan Capistrano
Classification: Uncertain significance. Last evaluated: 2022-09-23. Review status: criteria provided, single submitter. Criteria: Quest Diagnostics criteria. Collection method: clinical testing. Allele origin: unknown.
Comment: The HBB c.*5G>A variant has not been described in online databases, and to the best of our knowledge, has not been reported in the published literature. The frequency of this variant in the general population, 0.000012 (3/251368 chromosomes), is uninformative in assessment of its pathogenicity. Based on the available information, we are unable to determine the clinical significance of this variant.